The following is an entry in ClinVar:

NC_000011.9:g.(?_108178614)_(108178721_?)del

Gene: ATM (ATM serine/threonine kinase; plus strand). Cytogenetic location: 11q22.3.
Variant type: Deletion.
Identifiers: ClinVar variation 1069556 (VCV001069556.6).

ClinVar aggregate classification (germline): Pathogenic (1 of 4 stars; one submission).

Conditions:
Ataxia-telangiectasia syndrome (AT). Also called: LOUIS-BAR SYNDROME; Ataxia-telangiectasia, complementation group D; AT, COMPLEMENTATION GROUP C; Cerebello-oculocutaneous telangiectasia; Immunodeficiency with ataxia telangiectasia; ATAXIA-TELANGIECTASIA, COMPLEMENTATION GROUP A. Identifiers: Orphanet 100, MedGen C0004135, MONDO:0008840, OMIM 208900.

Submission:

Labcorp Genetics (formerly Invitae), Labcorp
Classification: Pathogenic for Ataxia-telangiectasia syndrome. Last evaluated: 2021-08-04. Review status: criteria provided, single submitter. Criteria: Invitae Variant Classification Sherloc (09022015). Collection method: clinical testing. Allele origin: germline.
Comment: This variant is a gross deletion of the genomic region encompassing exon(s) 38 of the ATM gene. This deletion is out-of-frame, and is expected to create a premature translational stop signal and result in an absent or disrupted protein product. Loss-of-function variants in ATM are known to be pathogenic (PMID: 23807571, 25614872). A similar copy number variant has been observed in individual(s) with clinical features of ataxia-telangiectasia (PMID: 8808599, 9872980). This variant is also known as 5675del88 or deletion of exon 40. For these reasons, this variant has been classified as Pathogenic.

Literature cited by the submitters: PubMed 23807571; PubMed 25614872; PubMed 8808599; PubMed 9872980.